The following is an entry in ClinVar:

NM_000179.3(MSH6):c.67G>C (p.Ala23Pro)

Gene: MSH6 (mutS homolog 6; plus strand). Cytogenetic location: 2p16.3.
Variant type: single nucleotide variant.
Coding change: c.67G>C on transcript NM_000179.3 (MANE Select); coding-DNA position 67, G replaced by C.
Protein change: p.Ala23Pro; replaces alanine 23 with proline.
Molecular consequence: missense variant. On other transcripts: 5 prime UTR variant (1).
Genome position (GRCh38, 1-based): chr2:47,783,300, G>C. VCF-style: chr2-47783300-G-C. GRCh37 (hg19) VCF-style: chr2-48010439-G-C.
Other names: c.67G>C, p.Ala23Pro (NM_001281492.2); c.-670G>C (NM_001281493.2); short protein forms A23P.
Identifiers: ClinVar variation 419112 (VCV000419112.29), dbSNP rs730881810, ClinGen allele CA16617616.

ClinVar aggregate classification (germline): Conflicting classifications of pathogenicity. Review status: criteria provided, conflicting classifications (1 of 4 stars). 8 submissions from 8 submitters: Uncertain significance (5); Likely benign (2). 1 of the submissions does not count toward it. Last evaluated 2025-10-29.

Conditions:
Hereditary nonpolyposis colorectal neoplasms. Identifiers: MedGen C0009405, MeSH D003123.
Lynch syndrome 5 (LYNCH5). Also called: Hereditary non-polyposis colorectal cancer, type 5; Colorectal cancer, hereditary nonpolyposis, type 5. Identifiers: Orphanet 144, MedGen C1833477, MONDO:0013710, OMIM 614350. Disease mechanism: loss of function.
Lynch syndrome. Identifiers: Orphanet 144, MedGen C4552100, MONDO:0005835. Disease mechanism: loss of function.
Hereditary cancer-predisposing syndrome. Also called: Hereditary neoplastic syndrome; Tumor predisposition; Neoplastic Syndromes, Hereditary; Hereditary Cancer Syndrome. Identifiers: Orphanet 140162, MedGen C0027672, MeSH D009386, MONDO:0015356.

Allele frequency attached by ClinVar (database versions not stated): TOPMed below 0.00001; gnomAD 0.00001; gnomAD exomes 0.00001.
gnomAD v4.1: 9 of 1,611,978 alleles (0.00056%); highest among the groups gnomAD compares: Middle Eastern, 0.033%; no homozygotes.

Submissions (8):

Labcorp Genetics (formerly Invitae), Labcorp
Classification: Likely benign for Hereditary nonpolyposis colorectal neoplasms. Last evaluated: 2025-10-29. Review status: criteria provided, single submitter. Criteria: Invitae Variant Classification Sherloc (09022015). Collection method: clinical testing. Allele origin: germline.

Quest Diagnostics Nichols Institute San Juan Capistrano
Classification: Uncertain significance. Last evaluated: 2025-08-06. Review status: criteria provided, single submitter. Criteria: Quest Diagnostics criteria. Collection method: clinical testing. Allele origin: unknown.
Comment: The MSH6 c.67G>C (p.Ala23Pro) variant has not been reported in individuals with MSH6-related conditions in the published literature. The frequency of this variant in the general population (Genome Aggregation Database) is uninformative in the assessment of its pathogenicity. Analysis of this variant using bioinformatics tools for the prediction of the effect of amino acid changes on protein structure and function yielded predictions that this variant is benign. Based on the available information, we are unable to determine the clinical significance of this variant.

Ambry Genetics
Classification: Likely benign for Hereditary cancer-predisposing syndrome. Last evaluated: 2025-07-08. Review status: criteria provided, single submitter. Criteria: Ambry Variant Classification Scheme 2023. Collection method: clinical testing. Allele origin: germline.

Color Diagnostics, LLC DBA Color Health
Classification: Uncertain significance for Hereditary cancer-predisposing syndrome. Last evaluated: 2024-03-06. Review status: criteria provided, single submitter. Criteria: ACMG Guidelines, 2015. Collection method: clinical testing. Allele origin: germline.
Comment: This missense variant replaces alanine with proline at codon 23 of the MSH6 protein. Computational prediction suggests that this variant may not impact protein structure and function (internally defined REVEL score threshold <= 0.5, PMID: 27666373). To our knowledge, functional studies have not been reported for this variant. This variant has not been reported in individuals affected with MSH6-related disorders in the literature. This variant has been identified in 3/274242 chromosomes in the general population by the Genome Aggregation Database (gnomAD). The available evidence is insufficient to determine the role of this variant in disease conclusively. Therefore, this variant is classified as a Variant of Uncertain Significance.

GeneDx
Classification: Uncertain significance. Last evaluated: 2023-12-22. Review status: criteria provided, single submitter. Criteria: GeneDx Variant Classification Process June 2021. Collection method: clinical testing. Allele origin: germline. Affected: yes.
Comment: Not observed at significant frequency in large population cohorts (gnomAD); In silico analysis supports that this missense variant does not alter protein structure/function; Has not been previously published as pathogenic or benign to our knowledge

All of Us Research Program, National Institutes of Health
Classification: Uncertain significance for Lynch syndrome. Last evaluated: 2023-11-20. Review status: criteria provided, single submitter. Criteria: ACMG Guidelines, 2015. Collection method: clinical testing. Allele origin: germline. Inheritance: Autosomal dominant inheritance. Observed: 6 variant alleles, 6 heterozygotes.
Comment: This missense variant replaces alanine with proline at codon 23 of the MSH6 protein. Computational prediction suggests that this variant may not impact protein structure and function (internally defined REVEL score threshold <= 0.5, PMID: 27666373). To our knowledge, functional studies have not been reported for this variant. This variant has not been reported in individuals affected with MSH6-related disorders in the literature. This variant has been identified in 3/274242 chromosomes in the general population by the Genome Aggregation Database (gnomAD). The available evidence is insufficient to determine the role of this variant in disease conclusively. Therefore, this variant is classified as a Variant of Uncertain Significance.

This study involves interpretation of variants in research participants for the purpose of population health screening. Participant phenotype was not available at the time of variant classification. Additional details can be found in publication PMID: 35346344, PMCID: PMC8962531

Sema4
Classification: Uncertain significance for Hereditary cancer-predisposing syndrome. Last evaluated: 2021-10-19. Review status: criteria provided, single submitter. Criteria: Sema4 Curation Guidelines. Collection method: curation. Allele origin: germline.
Comment: The MSH6 c.67G>C (p.A23P) variant has not been reported in the literature to our knowledge. It was observed in 1/30346 chromosomes of the South Asian subpopulation in the large and broad cohorts of the Genome Aggregation Database (PMID: 32461654). The variant has been reported in ClinVar (Variation ID 419112). In silico tools suggest the impact of the variant on protein function is benign, though these predictions have not been confirmed by functional studies. The evidence is insufficient to meet ACMG/AMP criteria for classifying the variant as benign or pathogenic. Thus, the clinical significance of this variant is currently uncertain.

Zotz-Klimas Genetics Lab, MVZ Zotz Klimas
Classification: Uncertain significance for Lynch syndrome 5. Last evaluated: 2023-10-30. Review status: no assertion criteria provided. Collection method: clinical testing. Allele origin: germline. Affected: yes. Not counted in ClinVar's aggregate classification.